The following is an entry in ClinVar:

ClinVar aggregate classification (germline): Likely benign. Review status: criteria provided, multiple submitters, no conflicts (2 of 4 stars). 5 submissions from 5 submitters: Likely benign (4). 1 of the submissions does not count toward it. Last evaluated 2025-10-15.

Conditions:
BRAF-related disorder. Also called: BRAF-related condition.
Cardiovascular phenotype. Identifiers: MedGen CN230736.
RASopathy. Also called: rasopathies; Noonan spectrum disorder. Identifiers: Orphanet 536391, MedGen C5555857, MONDO:0021060.

Allele frequency attached by ClinVar (database versions not stated): gnomAD below 0.00001 and 0.00001; gnomAD exomes 0.00001 and 0.00002; TOPMed 0.00001; ExAC 0.00002; ESP Exome Variant Server 0.00008.
gnomAD v4.1: 18 of 1,613,716 alleles (0.0011%); highest among the groups gnomAD compares: South Asian, 0.015%; no homozygotes.

Submissions (5):

Labcorp Genetics (formerly Invitae), Labcorp
Classification: Likely benign for RASopathy. Last evaluated: 2025-10-15. Review status: criteria provided, single submitter. Criteria: Invitae Variant Classification Sherloc (09022015). Collection method: clinical testing. Allele origin: germline.

Blueprint Genetics
Classification: Likely benign. Last evaluated: 2024-07-09. Review status: criteria provided, single submitter. Criteria: ACMG Guidelines, 2015. Collection method: clinical testing. Allele origin: germline.

Ambry Genetics
Classification: Likely benign for Cardiovascular phenotype. Last evaluated: 2019-06-09. Review status: criteria provided, single submitter. Criteria: Ambry Variant Classification Scheme 2023. Collection method: clinical testing. Allele origin: germline.

GeneDx
Classification: Likely benign. Last evaluated: 2015-12-01. Review status: criteria provided, single submitter. Criteria: GeneDx Variant Classification (06012015). Collection method: clinical testing. Allele origin: germline. Affected: yes.
Comment: This variant is considered likely benign or benign based on one or more of the following criteria: it is a conservative change, it occurs at a poorly conserved position in the protein, it is predicted to be benign by multiple in silico algorithms, and/or has population frequency not consistent with disease.

PreventionGenetics, part of Exact Sciences
Classification: Likely benign for BRAF-related condition. Last evaluated: 2021-12-23. Review status: no assertion criteria provided. Collection method: clinical testing. Allele origin: germline. Not counted in ClinVar's aggregate classification.
Comment: This variant is classified as likely benign based on ACMG/AMP sequence variant interpretation guidelines (Richards et al. 2015 PMID: 25741868, with internal and published modifications).

NM_004333.6(BRAF):c.855A>G (p.Gln285=)

Gene: BRAF (B-Raf proto-oncogene, serine/threonine kinase; minus strand). Cytogenetic location: 7q34.
Variant type: single nucleotide variant.
Coding change: c.855A>G on transcript NM_004333.6 (MANE Select); coding-DNA position 855, A replaced by G.
Protein change: p.Gln285=; no amino-acid change (glutamine 285 retained).
Molecular consequence: synonymous variant.
Genome position (GRCh38, 1-based): chr7:140,801,417, T>C on the plus strand (A>G on the coding strand, the complement: BRAF is on the minus strand). VCF-style: chr7-140801417-T-C. GRCh37 (hg19) VCF-style: chr7-140501217-T-C.
Other names: c.855A>G, p.Gln285= (NM_001354609.2, NM_001374244.1, NM_001374258.1 and 4 more transcripts); c.864A>G, p.Gln288= (NM_001378467.1); c.753A>G, p.Gln251= (NM_001378470.1); c.699A>G, p.Gln233= (NM_001378472.1, NM_001378473.1); c.591A>G, p.Gln197= (NM_001378475.1).
Identifiers: ClinVar variation 379133 (VCV000379133.11), dbSNP rs376575252, ClinGen allele CA4516892.